The following is an entry in ClinVar:

ClinVar aggregate classification (germline): Uncertain significance (1 of 4 stars; one submission).

gnomAD v4.1: 1 of 1,614,102 alleles (0.000062%); highest among the groups gnomAD compares: Non-Finnish European, 0.000085%; no homozygotes.

Submission:

Labcorp Genetics (formerly Invitae), Labcorp
Classification: Uncertain significance. Last evaluated: 2024-11-08. Review status: criteria provided, single submitter. Criteria: Invitae Variant Classification Sherloc (09022015). Collection method: clinical testing. Allele origin: germline.
Comment: This sequence change replaces arginine, which is basic and polar, with glycine, which is neutral and non-polar, at codon 1226 of the TRRAP protein (p.Arg1226Gly). This variant is not present in population databases (gnomAD no frequency). This variant has not been reported in the literature in individuals affected with TRRAP-related conditions. An algorithm developed to predict the effect of missense changes on protein structure and function (PolyPhen-2) suggests that this variant is likely to be tolerated. In summary, the available evidence is currently insufficient to determine the role of this variant in disease. Therefore, it has been classified as a Variant of Uncertain Significance.

NM_001375524.1(TRRAP):c.3676A>G (p.Arg1226Gly)

Gene: TRRAP (transformation/transcription domain associated protein; plus strand). Cytogenetic location: 7q22.1.
Variant type: single nucleotide variant.
Coding change: c.3676A>G on transcript NM_001375524.1 (MANE Select); coding-DNA position 3676, A replaced by G.
Protein change: p.Arg1226Gly; replaces arginine 1226 with glycine.
Molecular consequence: missense variant.
Genome position (GRCh38, 1-based): chr7:98,931,489, A>G. VCF-style: chr7-98931489-A-G. GRCh37 (hg19) VCF-style: chr7-98529112-A-G.
Other names: c.3676A>G, p.Arg1226Gly (NM_001244580.2, NM_003496.4); short protein forms R1226G.
Identifiers: ClinVar variation 3724876 (VCV003724876.2).
Genomic context (GRCh38, chr7:98,931,489, plus strand): 5'-GCAAAGACCACGCTGGAGCAGCTTCTGATGCGGTGCGCAACGCCTTTAAAAGACGAGGAG[A>G]GAGCCGAAGAGATCGTGGCCGCCCAGGAAAAGTCTTTCCACCATGTGACACACGACTTGG-3'
Protein context (NP_001362453.1, residues 1216-1236): RCATPLKDEE[Arg1226Gly]AEEIVAAQEK